The following is an entry in ClinVar:

ClinVar aggregate classification (germline): Uncertain significance. Review status: criteria provided, multiple submitters, no conflicts (2 of 4 stars). 2 submissions from 2 submitters: Uncertain significance (2). Last evaluated 2023-10-20.

Conditions:
Gorlin syndrome. Also called: Nevoid Basal Cell Carcinoma Syndrome; Basal cell nevus syndrome. Identifiers: Orphanet 377, MedGen C0004779, MONDO:0007187.

Allele frequency attached by ClinVar (database versions not stated): ExAC 0.00001; gnomAD 0.00001; TOPMed 0.00002.

Submissions (2):

Ambry Genetics
Classification: Uncertain significance. Last evaluated: 2023-10-20. Review status: criteria provided, single submitter. Criteria: Ambry Variant Classification Scheme 2023. Collection method: clinical testing. Allele origin: germline.

Labcorp Genetics (formerly Invitae), Labcorp
Classification: Uncertain significance for Gorlin syndrome. Last evaluated: 2022-06-22. Review status: criteria provided, single submitter. Criteria: Invitae Variant Classification Sherloc (09022015). Collection method: clinical testing. Allele origin: germline.
Comment: In summary, the available evidence is currently insufficient to determine the role of this variant in disease. Therefore, it has been classified as a Variant of Uncertain Significance. Algorithms developed to predict the effect of sequence changes on RNA splicing suggest that this variant may create or strengthen a splice site. Algorithms developed to predict the effect of missense changes on protein structure and function (SIFT, PolyPhen-2, Align-GVGD) all suggest that this variant is likely to be disruptive. ClinVar contains an entry for this variant (Variation ID: 857348). This variant has not been reported in the literature in individuals affected with PTCH2-related conditions. This variant is present in population databases (rs764006611, gnomAD 0.002%). This sequence change replaces glycine, which is neutral and non-polar, with serine, which is neutral and polar, at codon 448 of the PTCH2 protein (p.Gly448Ser).

NM_003738.5(PTCH2):c.1342G>A (p.Gly448Ser)

Gene: PTCH2 (patched 2; minus strand). Cytogenetic location: 1p34.1.
Variant type: single nucleotide variant.
Coding change: c.1342G>A on transcript NM_003738.5 (MANE Select); coding-DNA position 1342, G replaced by A.
Protein change: p.Gly448Ser; replaces glycine 448 with serine.
Molecular consequence: missense variant.
Genome position (GRCh38, 1-based): chr1:44,829,186, C>T on the plus strand (G>A on the coding strand, the complement: PTCH2 is on the minus strand). VCF-style: chr1-44829186-C-T. GRCh37 (hg19) VCF-style: chr1-45294858-C-T.
Other names: c.1342G>A, p.Gly448Ser (NM_001166292.2); short protein forms G448S.
Identifiers: ClinVar variation 857348 (VCV000857348.9), dbSNP rs764006611, ClinGen allele CA823344.